The following is an entry in ClinVar:

ClinVar aggregate classification (germline): Likely benign (1 of 4 stars; one submission).

gnomAD v4.1: 2 of 1,561,708 alleles (0.00013%); highest among the groups gnomAD compares: Middle Eastern, 0.017%; no homozygotes.

Submission:

CeGaT Center for Human Genetics Tuebingen
Classification: Likely benign. Last evaluated: 2025-06-01. Review status: criteria provided, single submitter. Criteria: CeGaT Center For Human Genetics Tuebingen Variant Classification Criteria Version 2. Collection method: clinical testing. Allele origin: germline. Affected: yes. Observed: 1 variant allele.
Comment: NRXN3: BP4, BP7

NM_001330195.2(NRXN3):c.261C>T (p.Leu87=)

Gene: NRXN3 (neurexin 3; plus strand). Cytogenetic location: 14q24.3.
Variant type: single nucleotide variant.
Coding change: c.261C>T on transcript NM_001330195.2 (MANE Select); coding-DNA position 261, C replaced by T.
Protein change: p.Leu87=; no amino-acid change (leucine 87 retained).
Molecular consequence: synonymous variant. On other transcripts: non-coding transcript variant (4).
Genome position (GRCh38, 1-based): chr14:78,243,354, C>T. VCF-style: chr14-78243354-C-T. GRCh37 (hg19) VCF-style: chr14-78709697-C-T.
Other names: c.261C>T, p.Leu87= (NM_001366425.1, NM_001366426.1).
Identifiers: ClinVar variation 4085254 (VCV004085254.8).